The following is an entry in ClinVar:

NM_001330260.2(SCN8A):c.5601G>A (p.Gln1867=)

Gene: SCN8A (sodium voltage-gated channel alpha subunit 8; plus strand). Cytogenetic location: 12q13.13.
Variant type: single nucleotide variant.
Coding change: c.5601G>A on transcript NM_001330260.2 (MANE Select); coding-DNA position 5601, G replaced by A.
Protein change: p.Gln1867=; no amino-acid change (glutamine 1867 retained).
Molecular consequence: synonymous variant.
Genome position (GRCh38, 1-based): chr12:51,807,087, G>A. VCF-style: chr12-51807087-G-A. GRCh37 (hg19) VCF-style: chr12-52200871-G-A.
Other names: p.Q1867Q:CAG>CAA; c.5478G>A, p.Gln1826= (NM_001177984.3, NM_001369788.1); c.5601G>A, p.Gln1867= (NM_014191.4).
Identifiers: ClinVar variation 207102 (VCV000207102.26), dbSNP rs368449473, ClinGen allele CA318243.

ClinVar aggregate classification (germline): Benign/Likely benign. Review status: criteria provided, multiple submitters, no conflicts (2 of 4 stars). 9 submissions from 9 submitters: Benign (3); Likely benign (4). 2 of the submissions do not count toward it. Last evaluated 2026-08-01.

Conditions:
Early-infantile DEE. Also called: Ohtahara syndrome; Early infantile epileptic encephalopathy with suppression bursts; Early infantile epileptic encephalopathy. Identifiers: Orphanet 1934, MedGen C0393706, MONDO:0800491.
Inborn genetic diseases. Identifiers: MedGen C0950123, MeSH D030342.

Allele frequency attached by ClinVar (database versions not stated): gnomAD exomes 0.00012 and 0.00022; ExAC 0.00027; 1000 Genomes Project 0.00040; 1000 Genomes Project 30x 0.00062; ESP Exome Variant Server 0.00071; TOPMed 0.00082.
gnomAD v4.1: 291 of 1,614,050 alleles (0.018%); highest among the groups gnomAD compares: African/African-American, 0.21%; no homozygotes.

Submissions (9):

CeGaT Center for Human Genetics Tuebingen
Classification: Likely benign. Last evaluated: 2026-08-01. Review status: criteria provided, single submitter. Criteria: CeGaT Center For Human Genetics Tuebingen Variant Classification Criteria Version 2. Collection method: clinical testing. Allele origin: germline. Affected: yes. Observed: 1 variant allele.
Comment: SCN8A: BP4, BP7, BS1

Labcorp Genetics (formerly Invitae), Labcorp
Classification: Benign for Early-infantile DEE. Last evaluated: 2026-01-28. Review status: criteria provided, single submitter. Criteria: Invitae Variant Classification Sherloc (09022015). Collection method: clinical testing. Allele origin: germline.

Blueprint Genetics
Classification: Likely benign. Last evaluated: 2024-09-16. Review status: criteria provided, single submitter. Criteria: ACMG Guidelines, 2015. Collection method: clinical testing. Allele origin: germline.

Eurofins Ntd Llc (ga)
Classification: Likely benign. Last evaluated: 2018-03-12. Review status: criteria provided, single submitter. Criteria: EGL ClinVar v180209 classification definitions. Collection method: clinical testing. Allele origin: germline. Observed: 1 variant allele, 1 heterozygote.

Athena Diagnostics
Classification: Benign. Last evaluated: 2018-03-08. Review status: criteria provided, single submitter. Criteria: Athena Diagnostics Criteria. Collection method: clinical testing. Allele origin: germline.

Ambry Genetics
Classification: Likely benign for Inborn genetic diseases. Last evaluated: 2017-02-08. Review status: criteria provided, single submitter. Criteria: Ambry Variant Classification Scheme 2023. Collection method: clinical testing. Allele origin: germline.

GeneDx
Classification: Benign. Last evaluated: 2014-10-14. Review status: criteria provided, single submitter. Criteria: GeneDx Variant Classification (06012015). Collection method: clinical testing. Allele origin: germline. Affected: yes.
Comment: This variant is considered likely benign or benign based on one or more of the following criteria: it is a conservative change, it occurs at a poorly conserved position in the protein, it is predicted to be benign by multiple in silico algorithms, and/or has population frequency not consistent with disease.

Clinical Genetics DNA and cytogenetics Diagnostics Lab, Erasmus MC, Erasmus Medical Center
Classification: Likely benign. Review status: no assertion criteria provided. Collection method: clinical testing. Allele origin: germline. Affected: yes. Study: VKGL Data-share Consensus. Not counted in ClinVar's aggregate classification.

Genome Diagnostics Laboratory, University Medical Center Utrecht
Classification: Likely benign. Review status: no assertion criteria provided. Collection method: clinical testing. Allele origin: germline. Affected: yes. Study: VKGL Data-share Consensus. Not counted in ClinVar's aggregate classification.